The following is an entry in ClinVar:

NM_000038.6(APC):c.236G>A (p.Ser79Asn)

Gene: APC (APC regulator of Wnt signaling pathway; plus strand). Cytogenetic location: 5q22.2.
Variant type: single nucleotide variant.
Coding change: c.236G>A on transcript NM_000038.6 (MANE Select); coding-DNA position 236, G replaced by A.
Protein change: p.Ser79Asn; replaces serine 79 with asparagine.
Molecular consequence: missense variant. On other transcripts: 5 prime UTR variant (1).
Genome position (GRCh38, 1-based): chr5:112,767,204, G>A. VCF-style: chr5-112767204-G-A. GRCh37 (hg19) VCF-style: chr5-112102901-G-A.
Other names: c.236G>A, p.Ser79Asn (NM_001127510.3, NM_001354895.2, NM_001354896.2 and 2 more transcripts); c.266G>A, p.Ser89Asn (NM_001127511.3, NM_001354897.2, NM_001354902.2); c.161G>A, p.Ser54Asn (NM_001354898.2, NM_001354904.2); c.59G>A, p.Ser20Asn (NM_001354900.2, NM_001354901.2, NM_001354905.2); c.-800G>A (NM_001354906.2); short protein forms S79N, S89N, S54N, S20N.
Identifiers: ClinVar variation 537548 (VCV000537548.14), dbSNP rs1554069689, ClinGen allele CA16021858.

ClinVar aggregate classification (germline): Uncertain significance. Review status: criteria provided, multiple submitters, no conflicts (2 of 4 stars). 4 submissions from 4 submitters: Uncertain significance (4). Last evaluated 2025-11-23.

Conditions:
Hereditary cancer-predisposing syndrome. Also called: Tumor predisposition; Hereditary Cancer Syndrome; Hereditary neoplastic syndrome; Neoplastic Syndromes, Hereditary. Identifiers: Orphanet 140162, MedGen C0027672, MeSH D009386, MONDO:0015356.
Familial adenomatous polyposis 1 (FAP1). Also called: FAMILIAL ADENOMATOUS POLYPOSIS 1, ATTENUATED; POLYPOSIS, ADENOMATOUS INTESTINAL. Identifiers: MedGen C2713442, MONDO:0021056, OMIM 175100. Disease mechanism: loss of function.

Allele frequency attached by ClinVar (database versions not stated): gnomAD exomes below 0.00001.
gnomAD v4.1: 1 of 1,613,870 alleles (0.000062%); highest among the groups gnomAD compares: South Asian, 0.0011%; no homozygotes.

Submissions (4):

Labcorp Genetics (formerly Invitae), Labcorp
Classification: Uncertain significance for Familial adenomatous polyposis 1. Last evaluated: 2025-11-23. Review status: criteria provided, single submitter. Criteria: Invitae Variant Classification Sherloc (09022015). Collection method: clinical testing. Allele origin: germline.
Comment: This sequence change replaces serine, which is neutral and polar, with asparagine, which is neutral and polar, at codon 79 of the APC protein (p.Ser79Asn). This variant is not present in population databases (gnomAD no frequency). This variant has not been reported in the literature in individuals affected with APC-related conditions. ClinVar contains an entry for this variant (Variation ID: 537548). Invitae Evidence Modeling of protein sequence and biophysical properties (such as structural, functional, and spatial information, amino acid conservation, physicochemical variation, residue mobility, and thermodynamic stability) indicates that this missense variant is not expected to disrupt APC protein function with a negative predictive value of 95%. In summary, the available evidence is currently insufficient to determine the role of this variant in disease. Therefore, it has been classified as a Variant of Uncertain Significance.

GeneDx
Classification: Uncertain significance. Last evaluated: 2025-05-13. Review status: criteria provided, single submitter. Criteria: GeneDx Variant Classification Process June 2021. Collection method: clinical testing. Allele origin: germline. Affected: yes.
Comment: Not observed at significant frequency in large population cohorts (gnomAD); In silico analysis suggests that this missense variant does not alter protein structure/function; Has not been previously published as pathogenic or benign to our knowledge

Color Diagnostics, LLC DBA Color Health
Classification: Uncertain significance for Hereditary cancer-predisposing syndrome. Last evaluated: 2024-07-30. Review status: criteria provided, single submitter. Criteria: ACMG Guidelines, 2015. Collection method: clinical testing. Allele origin: germline.
Comment: This missense variant replaces serine with asparagine at codon 79 of the APC protein. Computational prediction suggests that this variant may not impact protein structure and function (internally defined REVEL score threshold <= 0.5, PMID: 27666373). To our knowledge, functional studies have not been reported for this variant. This variant has not been reported in individuals affected with APC-related disorders in the literature. This variant has not been identified in the general population by the Genome Aggregation Database (gnomAD). The available evidence is insufficient to determine the role of this variant in disease conclusively. Therefore, this variant is classified as a Variant of Uncertain Significance.

Ambry Genetics
Classification: Uncertain significance for Hereditary cancer-predisposing syndrome. Last evaluated: 2021-09-07. Review status: criteria provided, single submitter. Criteria: Ambry Variant Classification Scheme 2023. Collection method: clinical testing. Allele origin: germline.
Comment: The p.S79N variant (also known as c.236G>A), located in coding exon 3 of the APC gene, results from a G to A substitution at nucleotide position 236. The serine at codon 79 is replaced by asparagine, an amino acid with highly similar properties. This amino acid position is well conserved in available vertebrate species. In addition, in silico predictors for this gene do not accurately predict pathogenicity. Since supporting evidence is limited at this time, the clinical significance of this alteration remains unclear.